The following is an entry in ClinVar:

NM_000350.3(ABCA4):c.6398G>C (p.Cys2133Ser)

Gene: ABCA4 (ATP binding cassette subfamily A member 4; minus strand). Cytogenetic location: 1p22.1.
Variant type: single nucleotide variant.
Coding change: c.6398G>C on transcript NM_000350.3 (MANE Select); coding-DNA position 6398, G replaced by C.
Protein change: p.Cys2133Ser; replaces cysteine 2133 with serine.
Molecular consequence: missense variant.
Genome position (GRCh38, 1-based): chr1:94,000,917, C>G on the plus strand (G>C on the coding strand, the complement: ABCA4 is on the minus strand). VCF-style: chr1-94000917-C-G. GRCh37 (hg19) VCF-style: chr1-94466473-C-G.
Other names: NM_000350.3(ABCA4):c.6398G>C; p.Cys2133Ser; c.6176G>C, p.Cys2059Ser (NM_001425324.1); short protein forms C2133S, C2059S.
Identifiers: ClinVar variation 2008480 (VCV002008480.5), dbSNP rs2523624168, ClinGen allele CA341277384.

ClinVar aggregate classification (germline): Uncertain significance. Review status: reviewed by expert panel (3 of 4 stars). 2 submissions from 2 submitters: Uncertain significance (1). 1 of the submissions does not count toward it. Last evaluated 2026-05-05.

Conditions:
ABCA4-related retinopathy. Also called: ABCA4 retinoapthy; ABCA4-related retinoapthy. Identifiers: MedGen CN322612, MONDO:0800406.

Submissions (2):

ClinGen ABCA4 Variant Curation Expert Panel, Clingen
Classification: Uncertain significance for ABCA4-related retinopathy. Last evaluated: 2026-05-05. Review status: reviewed by expert panel. Criteria: ClinGen ABCA4 ACMG Specifications V1.0.0. Collection method: curation. Allele origin: germline. Inheritance: Autosomal recessive inheritance.
Comment: The NM_000350.3(ABCA4):c.6398G>C variant in ABCA4 is a missense variant predicted to cause substitution of cysteine by serine at amino acid 2133 (p.Cys2133Ser). This variant is absent from gnomAD v4.1.0 meeting PM2_Supporting. The computational predictor REVEL gives a score of 0.971 which is above the threshold of >0.772 meeting PP3_Moderate. Another missense variant, c.6397T>C; p.Cys2133Arg, in the same codon has been classified as likely pathogenic for ABCA4-related retinopathy by the ClinGen ABCA4 VCEP (PM5_Supporting). In summary, this variant meets the criteria to be classified as a variant of uncertain significance for ABCA4-related retinopathy based on the ACMG/AMP criteria applied, as specified by the ClinGen ABCA4 VCEP specification version 1.0.0: PM2_Supporting, PM5_Supporting, PP3_Moderate.

Labcorp Genetics (formerly Invitae), Labcorp
Classification: Uncertain significance. Last evaluated: 2022-06-19. Review status: criteria provided, single submitter. Criteria: Invitae Variant Classification Sherloc (09022015). Collection method: clinical testing. Allele origin: germline. Not counted in ClinVar's aggregate classification.
Comment: In summary, the available evidence is currently insufficient to determine the role of this variant in disease. Therefore, it has been classified as a Variant of Uncertain Significance. Advanced modeling of protein sequence and biophysical properties (such as structural, functional, and spatial information, amino acid conservation, physicochemical variation, residue mobility, and thermodynamic stability) performed at Invitae indicates that this missense variant is expected to disrupt ABCA4 protein function. This variant has not been reported in the literature in individuals affected with ABCA4-related conditions. This variant is not present in population databases (gnomAD no frequency). This sequence change replaces cysteine, which is neutral and slightly polar, with serine, which is neutral and polar, at codon 2133 of the ABCA4 protein (p.Cys2133Ser).